The following is an entry in ClinVar:

NC_000004.11:g.(?_55573254)_(55604723_?)dup

Gene: KIT (KIT proto-oncogene, receptor tyrosine kinase; plus strand). Cytogenetic location: 4q12.
Variant type: Duplication.
Identifiers: ClinVar variation 3246592 (VCV003246592.1).

ClinVar aggregate classification (germline): Uncertain significance (1 of 4 stars; one submission).

Conditions:
Gastrointestinal stromal tumor. Also called: Gastrointestinal stromal tumor, somatic; Gastrointestinal stroma tumor. Identifiers: Orphanet 44890, MedGen C0238198, MeSH D046152, MONDO:0011719, OMIM 606764, HP:0100723.

Submission:

Labcorp Genetics (formerly Invitae), Labcorp
Classification: Uncertain significance for Gastrointestinal stromal tumor. Last evaluated: 2023-11-16. Review status: criteria provided, single submitter. Criteria: Invitae Variant Classification Sherloc (09022015). Collection method: clinical testing. Allele origin: unknown.
Comment: This variant results in a copy number gain of the genomic region encompassing exon(s) 6-21 of the KIT gene. This region includes the termination codon of the gene. This copy number gain extends beyond the assayed region for this gene and therefore may encompass additional genes. As the precise location of this event is unknown, it may be in tandem or it may be located elsewhere in the genome. This variant has not been reported in the literature in individuals affected with KIT-related conditions. In summary, the available evidence is currently insufficient to determine the role of this variant in disease. Therefore, it has been classified as a Variant of Uncertain Significance.